The following is an entry in ClinVar:

ClinVar aggregate classification (germline): Uncertain significance. Review status: criteria provided, multiple submitters, no conflicts (2 of 4 stars). 4 submissions from 4 submitters: Uncertain significance (4). Last evaluated 2025-08-18.

Conditions:
Hereditary cancer-predisposing syndrome. Also called: Tumor predisposition; Neoplastic Syndromes, Hereditary; Hereditary Cancer Syndrome; Hereditary neoplastic syndrome. Identifiers: Orphanet 140162, MedGen C0027672, MeSH D009386, MONDO:0015356.
Cardiovascular phenotype. Identifiers: MedGen CN230736.
LZTR1-related schwannomatosis. Also called: Schwannomatosis 2; Schwannomatosis-2, susceptibility to. Identifiers: Orphanet 93921, MedGen C3810283, MONDO:0014299, OMIM 615670.

Allele frequency attached by ClinVar (database versions not stated): gnomAD 0.00001; TOPMed 0.00002.

Submissions (4):

Labcorp Genetics (formerly Invitae), Labcorp
Classification: Uncertain significance. Last evaluated: 2025-08-18. Review status: criteria provided, single submitter. Criteria: Invitae Variant Classification Sherloc (09022015). Collection method: clinical testing. Allele origin: germline.
Comment: This sequence change replaces leucine, which is neutral and non-polar, with phenylalanine, which is neutral and non-polar, at codon 594 of the LZTR1 protein (p.Leu594Phe). This variant is not present in population databases (gnomAD no frequency). This variant has not been reported in the literature in individuals affected with LZTR1-related conditions. ClinVar contains an entry for this variant (Variation ID: 1779985). Invitae Evidence Modeling of protein sequence and biophysical properties (such as structural, functional, and spatial information, amino acid conservation, physicochemical variation, residue mobility, and thermodynamic stability) indicates that this missense variant is not expected to disrupt LZTR1 protein function with a negative predictive value of 80%. In summary, the available evidence is currently insufficient to determine the role of this variant in disease. Therefore, it has been classified as a Variant of Uncertain Significance.

Ambry Genetics
Classification: Uncertain significance for Cardiovascular phenotype; Hereditary cancer-predisposing syndrome. Last evaluated: 2025-03-20. Review status: criteria provided, single submitter. Criteria: Ambry Variant Classification Scheme 2023. Collection method: clinical testing. Allele origin: germline.
Comment: The p.L594F variant (also known as c.1780C>T), located in coding exon 15 of the LZTR1 gene, results from a C to T substitution at nucleotide position 1780. The leucine at codon 594 is replaced by phenylalanine, an amino acid with highly similar properties. This amino acid position is highly conserved in available vertebrate species. In addition, the in silico prediction for this alteration is inconclusive. Since supporting evidence is limited at this time, the clinical significance of this alteration remains unclear.

Baylor Genetics
Classification: Uncertain significance for LZTR1-related schwannomatosis. Last evaluated: 2024-01-22. Review status: criteria provided, single submitter. Criteria: ACMG Guidelines, 2015. Collection method: clinical testing. Allele origin: unknown.

GeneDx
Classification: Uncertain significance. Last evaluated: 2023-08-22. Review status: criteria provided, single submitter. Criteria: GeneDx Variant Classification Process June 2021. Collection method: clinical testing. Allele origin: germline.
Comment: Not observed at significant frequency in large population cohorts (gnomAD); In silico analysis supports that this missense variant has a deleterious effect on protein structure/function; Has not been previously published as pathogenic or benign to our knowledge

NM_006767.4(LZTR1):c.1780C>T (p.Leu594Phe)

Gene: LZTR1 (leucine zipper like post translational regulator 1; plus strand). Cytogenetic location: 22q11.21.
Variant type: single nucleotide variant.
Coding change: c.1780C>T on transcript NM_006767.4 (MANE Select); coding-DNA position 1780, C replaced by T.
Protein change: p.Leu594Phe; replaces leucine 594 with phenylalanine.
Molecular consequence: missense variant.
Genome position (GRCh38, 1-based): chr22:20,994,722, C>T. VCF-style: chr22-20994722-C-T. GRCh37 (hg19) VCF-style: chr22-21349011-C-T.
Other names: short protein forms L594F.
Identifiers: ClinVar variation 1779985 (VCV001779985.11), dbSNP rs1383509012, ClinGen allele CA410778364.